The following is an entry in ClinVar:

NM_000053.4(ATP7B):c.2730+1G>A

Gene: ATP7B (ATPase copper transporting beta; minus strand). Cytogenetic location: 13q14.3.
Variant type: single nucleotide variant.
Coding change: c.2730+1G>A on transcript NM_000053.4 (MANE Select); the canonical splice donor site of the intron after coding-DNA position 2730, G replaced by A.
Molecular consequence: splice donor variant.
Genome position (GRCh38, 1-based): chr13:51,950,006, C>T on the plus strand (G>A on the coding strand, the complement: ATP7B is on the minus strand). VCF-style: chr13-51950006-C-T. GRCh37 (hg19) VCF-style: chr13-52524142-C-T.
Other names: c.2730+1G>A (NM_001406515.1, NM_001406525.1, NM_001406523.1 and 7 more transcripts); c.2634+1G>A (NM_001406518.1, NM_001406517.1); c.2301+1G>A (NM_001406539.1); c.2148+1G>A (NM_001406544.1); c.2400+1G>A (NM_001406536.1); c.2490+1G>A (NM_001406530.1); c.2586+1G>A (NM_001406520.1, NM_001406537.1, NM_001406521.1 and 1 more transcripts); c.2244+1G>A (NM_001406541.1, NM_001005918.3, NM_001406546.1 and 1 more transcripts); and 8 more.
Identifiers: ClinVar variation 370356 (VCV000370356.11), dbSNP rs1057516425, ClinGen allele CA16041669.

ClinVar aggregate classification (germline): Pathogenic/Likely pathogenic. Review status: criteria provided, multiple submitters, no conflicts (2 of 4 stars). 6 submissions from 6 submitters: Pathogenic (1); Likely pathogenic (4). 1 of the submissions does not count toward it. Last evaluated 2026-06-30.

Conditions:
Wilson disease (WND). Also called: Wilson's disease. Identifiers: Orphanet 905, MedGen C0019202, MONDO:0010200, OMIM 277900. Disease mechanism: loss of function.

Allele frequency attached by ClinVar (database versions not stated): gnomAD exomes below 0.00001; gnomAD 0.00001.
gnomAD v4.1: 4 of 1,614,196 alleles (0.00025%); highest among the groups gnomAD compares: Middle Eastern, 0.016%; no homozygotes.

Submissions (6):

Myriad Genetics, Inc.
Classification: Likely pathogenic for Wilson disease. Last evaluated: 2026-06-30. Review status: criteria provided, single submitter. Criteria: Myriad Autosomal Dominant, Autosomal Recessive and X-Linked Classification Criteria (2023). Collection method: clinical testing. Allele origin: unknown.
Comment: NM_000053.3(ATP7B):c.2730+1G>A is a variant in a canonical splice site classified as likely pathogenic in the context of Wilson disease. c.2730+1G>A has been observed in a case with relevant disease (PMID: 14986826). Relevant functional assessments of this variant are not available in the literature. c.2730+1G>A has not been observed in referenced population frequency databases. In summary, NM_000053.3(ATP7B):c.2730+1G>A is a variant in a canonical splice site in a gene where loss of function is a known mechanism of disease, is predicted to disrupt protein function, and has been observed more frequently in cases with the relevant disease than in healthy populations. Please note: this variant was assessed in the context of healthy population screening.

Labcorp Genetics (formerly Invitae), Labcorp
Classification: Likely pathogenic for Wilson disease. Last evaluated: 2024-03-20. Review status: criteria provided, single submitter. Criteria: Invitae Variant Classification Sherloc (09022015). Collection method: clinical testing. Allele origin: germline.
Comment: This sequence change affects a donor splice site in intron 11 of the ATP7B gene. It is expected to disrupt RNA splicing. Variants that disrupt the donor or acceptor splice site typically lead to a loss of protein function (PMID: 16199547), and loss-of-function variants in ATP7B are known to be pathogenic (PMID: 10441329, 16283883). This variant is not present in population databases (gnomAD no frequency). Disruption of this splice site has been observed in individual(s) with Wilson disease (PMID: 14986826). ClinVar contains an entry for this variant (Variation ID: 370356). Algorithms developed to predict the effect of sequence changes on RNA splicing suggest that this variant may disrupt the consensus splice site. In summary, the currently available evidence indicates that the variant is pathogenic, but additional data are needed to prove that conclusively. Therefore, this variant has been classified as Likely Pathogenic.

All of Us Research Program, National Institutes of Health
Classification: Likely pathogenic for Wilson disease. Last evaluated: 2023-07-19. Review status: criteria provided, single submitter. Criteria: ACMG Guidelines, 2015. Collection method: clinical testing. Allele origin: germline. Inheritance: Autosomal recessive inheritance. Observed: 1 variant allele, 1 heterozygote.
Comment: This variant causes a G to A nucleotide substitution at the +1 position of intron 11 of the ATP7B gene. Splice site prediction tools predict that this variant may have a significant impact on RNA splicing. Although this prediction has not been confirmed in published RNA studies, this variant is expected to result in an absent or disrupted protein product. This variant has been reported in an individual affected with Wilson Disease (PMID: 14986826). This variant has not been identified in the general population by the Genome Aggregation Database (gnomAD). Loss of ATP7B function is a known mechanism of disease. Based on the available evidence, this variant is classified as Likely Pathogenic.

This study involves interpretation of variants in research participants for the purpose of population health screening. Participant phenotype was not available at the time of variant classification. Additional details can be found in publication PMID: 35346344, PMCID: PMC8962531

Baylor Genetics
Classification: Pathogenic for Wilson disease. Last evaluated: 2022-04-03. Review status: criteria provided, single submitter. Criteria: ACMG Guidelines, 2015. Collection method: clinical testing. Allele origin: unknown.

Laboratory for Molecular Medicine, Mass General Brigham Personalized Medicine
Classification: Likely pathogenic for Wilson disease. Last evaluated: 2020-06-11. Review status: criteria provided, single submitter. Criteria: ACMG Guidelines, 2015. Collection method: clinical testing. Allele origin: germline.
Comment: The c.2730+1G>A variant in ATP7B has been previously reported in 1 individual with Wilson disease (Gu 2003) and was absent from large population studies. This variant occurs within the canonical splice site (+/- 1,2) and is predicted to cause altered splicing leading to an abnormal or absent protein. Loss of function of the ATP7B gene is an established disease mechanism in autosomal recessive Wilson disease. In summary, although additional studies are required to fully establish its clinical significance, this variant meets criteria to be classified as likely pathogenic for autosomal recessive Wilson disease. ACMG/AMP Criteria applied: PVS1_Strong, PM2.

Counsyl
Classification: Likely pathogenic for Wilson disease. Last evaluated: 2016-01-24. Review status: no assertion criteria provided. Collection method: clinical testing. Allele origin: unknown. Not counted in ClinVar's aggregate classification.

Literature cited by the submitters: PubMed 14986826 (cited by 5 submitters); PubMed 16199547 (cited by Labcorp Genetics (formerly Invitae), Labcorp); PubMed 10441329 (cited by Labcorp Genetics (formerly Invitae), Labcorp); PubMed 16283883 (cited by Labcorp Genetics (formerly Invitae), Labcorp); PubMed 25525159 (cited by Laboratory for Molecular Medicine, Mass General Brigham Personalized Medicine and Counsyl).